The following is an entry in ClinVar:

ClinVar aggregate classification (germline): Likely benign (1 of 4 stars; one submission).

gnomAD v4.1: 4 of 1,613,350 alleles (0.00025%); highest among the groups gnomAD compares: South Asian, 0.0044%; no homozygotes.

Submission:

CeGaT Center for Human Genetics Tuebingen
Classification: Likely benign. Last evaluated: 2023-11-01. Review status: criteria provided, single submitter. Criteria: CeGaT Center For Human Genetics Tuebingen Variant Classification Criteria Version 2. Collection method: clinical testing. Allele origin: germline. Affected: yes. Observed: 2 variant alleles.
Comment: PCDH17: BP4, BP7

NM_001040429.3(PCDH17):c.2049G>A (p.Ser683=)

Gene: PCDH17 (protocadherin 17; plus strand). Cytogenetic location: 13q21.1.
Variant type: single nucleotide variant.
Coding change: c.2049G>A on transcript NM_001040429.3 (MANE Select); coding-DNA position 2049, G replaced by A.
Protein change: p.Ser683=; no amino-acid change (serine 683 retained).
Molecular consequence: synonymous variant.
Genome position (GRCh38, 1-based): chr13:57,634,595, G>A. VCF-style: chr13-57634595-G-A. GRCh37 (hg19) VCF-style: chr13-58208729-G-A.
Identifiers: ClinVar variation 2643830 (VCV002643830.24), dbSNP rs972459527, ClinGen allele CA484036308.
Genomic context (GRCh38, chr13:57,634,595, plus strand): 5'-GAAGGTGACCGACCACGGCAAGCCTACCCTGTCCGCAGTGGCCAAGCTCATCATCCGCTC[G>A]GTGAGCGGATCCCTTCCCGAGGGGGTACCACGGGTGAATGGCGAGCAGCACCACTGGGAC-3'
Protein context (NP_001035519.1, residues 673-693): LSAVAKLIIR[Ser683=]VSGSLPEGVP